The following is an entry in ClinVar:

NM_198253.3(TERT):c.1241C>T (p.Pro414Leu)

Gene: TERT (telomerase reverse transcriptase; minus strand). Cytogenetic location: 5p15.33.
Variant type: single nucleotide variant.
Coding change: c.1241C>T on transcript NM_198253.3 (MANE Select); coding-DNA position 1241, C replaced by T.
Protein change: p.Pro414Leu; replaces proline 414 with leucine.
Molecular consequence: missense variant. On other transcripts: non-coding transcript variant (2).
Genome position (GRCh38, 1-based): chr5:1,293,645, G>A on the plus strand (C>T on the coding strand, the complement: TERT is on the minus strand). VCF-style: chr5-1293645-G-A. GRCh37 (hg19) VCF-style: chr5-1293760-G-A.
Other names: c.1241C>T, p.Pro414Leu (NM_001193376.3); short protein forms P414L.
Identifiers: ClinVar variation 4685071 (VCV004685071.2).

ClinVar aggregate classification (germline): Uncertain significance. Review status: criteria provided, multiple submitters, no conflicts (2 of 4 stars). 2 submissions from 2 submitters: Uncertain significance (2). Last evaluated 2026-01-06.

Conditions:
Dyskeratosis congenita. Identifiers: Orphanet 1775, MedGen C0265965, MONDO:0015780.

gnomAD v4.1: 2 of 1,559,004 alleles (0.00013%); highest among the groups gnomAD compares: South Asian, 0.0012%; no homozygotes.

Submissions (2):

Ambry Genetics
Classification: Uncertain significance for Dyskeratosis congenita. Last evaluated: 2026-01-06. Review status: criteria provided, single submitter. Criteria: Ambry Variant Classification Scheme 2023. Collection method: clinical testing. Allele origin: germline.
Comment: The p.P414L variant (also known as c.1241C>T), located in coding exon 2 of the TERT gene, results from a C to T substitution at nucleotide position 1241. The proline at codon 414 is replaced by leucine, an amino acid with similar properties. This amino acid position is well conserved in available vertebrate species. In addition, the in silico prediction for this alteration is inconclusive. Based on the available evidence, the clinical significance of this variant remains unclear.

GeneDx
Classification: Uncertain significance. Last evaluated: 2025-07-10. Review status: criteria provided, single submitter. Criteria: GeneDx Variant Classification Process June 2021. Collection method: clinical testing. Allele origin: germline. Affected: yes.
Comment: Not observed at significant frequency in large population cohorts (gnomAD); In silico analysis supports that this missense variant has a deleterious effect on protein structure/function; Has not been previously published as pathogenic or benign to our knowledge